The following is an entry in ClinVar:

NM_001253697.2(ERBIN):c.2087+10C>A

Gene: ERBIN (erbb2 interacting protein; plus strand). Cytogenetic location: 5q12.3.
Variant type: single nucleotide variant.
Coding change: c.2087+10C>A on transcript NM_001253697.2 (MANE Select); 10 bases into the intron after coding-DNA position 2087, C replaced by A.
Molecular consequence: intron variant.
Genome position (GRCh38, 1-based): chr5:66,050,976, C>A. VCF-style: chr5-66050976-C-A. GRCh37 (hg19) VCF-style: chr5-65346804-C-A.
Other names: c.2087+10C>A (NM_001006600.2, NM_001253699.2, NM_018695.4 and 2 more transcripts); c.2075+10C>A (NM_001253701.2).
Identifiers: ClinVar variation 1610361 (VCV001610361.10), dbSNP rs543156523, ClinGen allele CA3286416.
Genomic context (GRCh38, chr5:66,050,976, plus strand): 5'-ACTCTGCTCTCCAGTGAAACAAACTCATATTGATATTAATTCCAAAATCAGGTGTGTGAA[C>A]CTCTTTTACAGTTTTTTATTTATACAATAAATAGAAGTAGTAAGGCAGATAACAAATACA-3'

ClinVar aggregate classification (germline): Likely benign. Review status: criteria provided, single submitter (1 of 4 stars). 2 submissions from 2 submitters: Likely benign (1). 1 of the submissions does not count toward it. Last evaluated 2025-02-16.

Conditions:
ERBIN-related disorder. Also called: ERBIN-related condition.

Allele frequency attached by ClinVar (database versions not stated): gnomAD 0.00007; gnomAD exomes 0.00010 and 0.00021; ExAC 0.00026; 1000 Genomes Project 0.00040; 1000 Genomes Project 30x 0.00047.
gnomAD v4.1: 160 of 1,575,546 alleles (0.01%); highest among the groups gnomAD compares: South Asian, 0.18%; no homozygotes.

Submissions (2):

Labcorp Genetics (formerly Invitae), Labcorp
Classification: Likely benign. Last evaluated: 2025-02-16. Review status: criteria provided, single submitter. Criteria: Invitae Variant Classification Sherloc (09022015). Collection method: clinical testing. Allele origin: germline.

PreventionGenetics, part of Exact Sciences
Classification: Likely benign for ERBIN-related condition. Last evaluated: 2019-05-24. Review status: no assertion criteria provided. Collection method: clinical testing. Allele origin: germline. Not counted in ClinVar's aggregate classification.
Comment: This variant is classified as likely benign based on ACMG/AMP sequence variant interpretation guidelines (Richards et al. 2015 PMID: 25741868, with internal and published modifications).